The following is an entry in ClinVar:

ClinVar aggregate classification (germline): Likely benign. Review status: criteria provided, multiple submitters, no conflicts (2 of 4 stars). 2 submissions from 2 submitters: Likely benign (2). Last evaluated 2026-04-12.

Conditions:
LHX3-related disorder. Also called: LHX3-related condition.

Allele frequency attached by ClinVar (database versions not stated): TOPMed 0.00001; 1000 Genomes Project 30x 0.00031.

Submissions (2):

PreventionGenetics, part of Exact Sciences
Classification: Likely benign for LHX3-related condition. Last evaluated: 2026-04-12. Review status: criteria provided, single submitter. Criteria: ACMG Guidelines, 2015. Collection method: clinical testing. Allele origin: germline.
Comment: This variant is classified as likely benign based on ACMG/AMP sequence variant interpretation guidelines (Richards et al. 2015 PMID: 25741868, with internal and published modifications).

Labcorp Genetics (formerly Invitae), Labcorp
Classification: Likely benign. Last evaluated: 2024-02-05. Review status: criteria provided, single submitter. Criteria: Invitae Variant Classification Sherloc (09022015). Collection method: clinical testing. Allele origin: germline.

NM_178138.6(LHX3):c.582G>T (p.Thr194=)

Gene: LHX3 (LIM homeobox 3; minus strand). Cytogenetic location: 9q34.3.
Variant type: single nucleotide variant.
Coding change: c.582G>T on transcript NM_178138.6 (MANE Select); coding-DNA position 582, G replaced by T.
Protein change: p.Thr194=; no amino-acid change (threonine 194 retained).
Molecular consequence: synonymous variant.
Genome position (GRCh38, 1-based): chr9:136,198,932, C>A on the plus strand (G>T on the coding strand, the complement: LHX3 is on the minus strand). VCF-style: chr9-136198932-C-A. GRCh37 (hg19) VCF-style: chr9-139090778-C-A.
Other names: c.549G>T, p.Thr183= (NM_001363746.1); c.597G>T, p.Thr199= (NM_014564.5).
Identifiers: ClinVar variation 799244 (VCV000799244.12), dbSNP rs759590430, ClinGen allele CA5330454.